The following is an entry in ClinVar:

NM_000095.3(COMP):c.974A>T (p.Lys325Met)

Gene: COMP (cartilage oligomeric matrix protein; minus strand). Cytogenetic location: 19p13.11.
Variant type: single nucleotide variant.
Coding change: c.974A>T on transcript NM_000095.3 (MANE Select); coding-DNA position 974, A replaced by T.
Protein change: p.Lys325Met; replaces lysine 325 with methionine.
Molecular consequence: missense variant.
Genome position (GRCh38, 1-based): chr19:18,788,213, T>A on the plus strand (A>T on the coding strand, the complement: COMP is on the minus strand). VCF-style: chr19-18788213-T-A. GRCh37 (hg19) VCF-style: chr19-18899022-T-A.
Other names: short protein forms K325M.
Identifiers: ClinVar variation 1309684 (VCV001309684.3), dbSNP rs1380005612, ClinGen allele CA404890780.

ClinVar aggregate classification (germline): Uncertain significance. Review status: criteria provided, multiple submitters, no conflicts (2 of 4 stars). 2 submissions from 2 submitters: Uncertain significance (2). Last evaluated 2025-02-10.

gnomAD v4.1: 1 of 1,612,720 alleles (0.000062%); highest among the groups gnomAD compares: Non-Finnish European, 0.000085%; no homozygotes.

Submissions (2):

Labcorp Genetics (formerly Invitae), Labcorp
Classification: Uncertain significance. Last evaluated: 2025-02-10. Review status: criteria provided, single submitter. Criteria: Invitae Variant Classification Sherloc (09022015). Collection method: clinical testing. Allele origin: germline.
Comment: This sequence change replaces lysine, which is basic and polar, with methionine, which is neutral and non-polar, at codon 325 of the COMP protein (p.Lys325Met). This variant is present in population databases (no rsID available, gnomAD 0.002%). This variant has not been reported in the literature in individuals affected with COMP-related conditions. ClinVar contains an entry for this variant (Variation ID: 1309684). An algorithm developed to predict the effect of missense changes on protein structure and function (PolyPhen-2) suggests that this variant is likely to be tolerated. Algorithms developed to predict the effect of sequence changes on RNA splicing suggest that this variant may disrupt the consensus splice site. In summary, the available evidence is currently insufficient to determine the role of this variant in disease. Therefore, it has been classified as a Variant of Uncertain Significance.

GeneDx
Classification: Uncertain significance. Last evaluated: 2019-11-06. Review status: criteria provided, single submitter. Criteria: GeneDx Variant Classification Process June 2021. Collection method: clinical testing. Allele origin: germline. Affected: yes.
Comment: In silico analysis, which includes splice predictors and evolutionary conservation, supports a deleterious effect; Has not been previously published as pathogenic or benign to our knowledge